The following is an entry in ClinVar:

NM_030973.4(MED25):c.764C>G (p.Ala255Gly)

Gene: MED25 (mediator complex subunit 25; plus strand). Cytogenetic location: 19q13.33.
Variant type: single nucleotide variant.
Coding change: c.764C>G on transcript NM_030973.4 (MANE Select); coding-DNA position 764, C replaced by G.
Protein change: p.Ala255Gly; replaces alanine 255 with glycine.
Molecular consequence: missense variant.
Genome position (GRCh38, 1-based): chr19:49,830,163, C>G. VCF-style: chr19-49830163-C-G. GRCh37 (hg19) VCF-style: chr19-50333420-C-G.
Other names: c.764C>G, p.Ala255Gly (NM_001378355.1); short protein forms A255G.
Identifiers: ClinVar variation 543180 (VCV000543180.6), dbSNP rs763825256, ClinGen allele CA9585004.

ClinVar aggregate classification (germline): Uncertain significance. Review status: criteria provided, multiple submitters, no conflicts (2 of 4 stars). 2 submissions from 2 submitters: Uncertain significance (2). Last evaluated 2023-12-21.

Conditions:
Inborn genetic diseases. Identifiers: MedGen C0950123, MeSH D030342.
Charcot-Marie-Tooth disease type 2. Also called: Charcot-Marie-Tooth type 2. Identifiers: Orphanet 64746, MedGen C0270914, MONDO:0018993.

Allele frequency attached by ClinVar (database versions not stated): ExAC 0.00003; gnomAD 0.00003; gnomAD exomes 0.00002; TOPMed 0.00003.
gnomAD v4.1: 28 of 1,601,970 alleles (0.0017%); highest among the groups gnomAD compares: Non-Finnish European, 0.0024%; no homozygotes.

Submissions (2):

Ambry Genetics
Classification: Uncertain significance for Inborn genetic diseases. Last evaluated: 2023-12-21. Review status: criteria provided, single submitter. Criteria: Ambry Variant Classification Scheme 2023. Collection method: clinical testing. Allele origin: germline.

Labcorp Genetics (formerly Invitae), Labcorp
Classification: Uncertain significance for Charcot-Marie-Tooth disease type 2. Last evaluated: 2022-06-13. Review status: criteria provided, single submitter. Criteria: Invitae Variant Classification Sherloc (09022015). Collection method: clinical testing. Allele origin: germline.
Comment: This sequence change replaces alanine, which is neutral and non-polar, with glycine, which is neutral and non-polar, at codon 255 of the MED25 protein (p.Ala255Gly). This variant is present in population databases (rs763825256, gnomAD 0.005%). This variant has not been reported in the literature in individuals affected with MED25-related conditions. ClinVar contains an entry for this variant (Variation ID: 543180). Algorithms developed to predict the effect of missense changes on protein structure and function (SIFT, PolyPhen-2, Align-GVGD) all suggest that this variant is likely to be tolerated. In summary, the available evidence is currently insufficient to determine the role of this variant in disease. Therefore, it has been classified as a Variant of Uncertain Significance.